The following is an entry in ClinVar:

NM_000535.7(PMS2):c.2372G>C (p.Ser791Thr)

Gene: PMS2 (PMS1 homolog 2, mismatch repair system component; minus strand). Cytogenetic location: 7p22.1.
Variant type: single nucleotide variant.
Coding change: c.2372G>C on transcript NM_000535.7 (MANE Select); coding-DNA position 2372, G replaced by C.
Protein change: p.Ser791Thr; replaces serine 791 with threonine.
Molecular consequence: missense variant. On other transcripts: non-coding transcript variant (1).
Genome position (GRCh38, 1-based): chr7:5,977,661, C>G on the plus strand (G>C on the coding strand, the complement: PMS2 is on the minus strand). VCF-style: chr7-5977661-C-G. GRCh37 (hg19) VCF-style: chr7-6017292-C-G.
Other names: c.1967G>C, p.Ser656Thr (NM_001322003.2, NM_001322004.2, NM_001322005.2); c.2216G>C, p.Ser739Thr (NM_001322006.2); c.2054G>C, p.Ser685Thr (NM_001322007.2, NM_001322008.2); c.2000G>C, p.Ser667Thr (NM_001322009.2); c.1811G>C, p.Ser604Thr (NM_001322010.2); c.1439G>C, p.Ser480Thr (NM_001322011.2, NM_001322012.2); c.1799G>C, p.Ser600Thr (NM_001322013.2); c.2405G>C, p.Ser802Thr (NM_001322014.2); and 2 more; short protein forms S604T, S667T, S802T, S600T, S480T, S685T, S688T, S739T.
Identifiers: ClinVar variation 1514760 (VCV001514760.7), dbSNP rs2128673461, ClinGen allele CA366735792.

ClinVar aggregate classification (germline): Uncertain significance. Review status: criteria provided, multiple submitters, no conflicts (2 of 4 stars). 2 submissions from 2 submitters: Uncertain significance (2). Last evaluated 2024-01-25.

Conditions:
Hereditary nonpolyposis colorectal neoplasms. Identifiers: MedGen C0009405, MeSH D003123.
Hereditary cancer-predisposing syndrome. Also called: Tumor predisposition; Neoplastic Syndromes, Hereditary; Hereditary neoplastic syndrome; Hereditary Cancer Syndrome. Identifiers: Orphanet 140162, MedGen C0027672, MeSH D009386, MONDO:0015356.

Submissions (2):

Ambry Genetics
Classification: Uncertain significance for Hereditary cancer-predisposing syndrome. Last evaluated: 2024-01-25. Review status: criteria provided, single submitter. Criteria: Ambry Variant Classification Scheme 2023. Collection method: clinical testing. Allele origin: germline.
Comment: The p.S791T variant (also known as c.2372G>C), located in coding exon 14 of the PMS2 gene, results from a G to C substitution at nucleotide position 2372. The serine at codon 791 is replaced by threonine, an amino acid with similar properties. This amino acid position is conserved. In addition, the in silico prediction for this alteration is inconclusive. Based on the available evidence, the clinical significance of this alteration remains unclear.

Labcorp Genetics (formerly Invitae), Labcorp
Classification: Uncertain significance for Hereditary nonpolyposis colorectal neoplasms. Last evaluated: 2021-08-25. Review status: criteria provided, single submitter. Criteria: Invitae Variant Classification Sherloc (09022015). Collection method: clinical testing. Allele origin: germline.
Comment: In summary, the available evidence is currently insufficient to determine the role of this variant in disease. Therefore, it has been classified as a Variant of Uncertain Significance. Advanced modeling of protein sequence and biophysical properties (such as structural, functional, and spatial information, amino acid conservation, physicochemical variation, residue mobility, and thermodynamic stability) performed at Invitae indicates that this missense variant is not expected to disrupt PMS2 protein function. This variant has not been reported in the literature in individuals affected with PMS2-related conditions. The frequency data for this variant in the population databases (ExAC) is considered unreliable due to the presence of homologous sequence, such as pseudogenes or paralogs, in the genome. This sequence change replaces serine with threonine at codon 791 of the PMS2 protein (p.Ser791Thr). The serine residue is highly conserved and there is a small physicochemical difference between serine and threonine.